The following is an entry in ClinVar:

ClinVar aggregate classification (germline): Pathogenic. Review status: criteria provided, multiple submitters, no conflicts (2 of 4 stars). 2 submissions from 2 submitters: Pathogenic (2). Last evaluated 2024-12-24.

Allele frequency attached by ClinVar (database versions not stated): gnomAD 0.00001; TOPMed 0.00002.

Submissions (2):

Labcorp Genetics (formerly Invitae), Labcorp
Classification: Pathogenic. Last evaluated: 2024-12-24. Review status: criteria provided, single submitter. Criteria: Invitae Variant Classification Sherloc (09022015). Collection method: clinical testing. Allele origin: germline.
Comment: This sequence change creates a premature translational stop signal (p.Ser92Profs*3) in the TPP1 gene. It is expected to result in an absent or disrupted protein product. Loss-of-function variants in TPP1 are known to be pathogenic (PMID: 10330339). This variant is not present in population databases (gnomAD no frequency). This premature translational stop signal has been observed in individual(s) with lysosomal storage disorder (PMID: 19383612). This variant is also known as delT2979 . ClinVar contains an entry for this variant (Variation ID: 419346). Algorithms developed to predict the effect of sequence changes on RNA splicing suggest that this variant may disrupt the consensus splice site. For these reasons, this variant has been classified as Pathogenic.

GeneDx
Classification: Pathogenic. Last evaluated: 2015-07-07. Review status: criteria provided, single submitter. Criteria: GeneDx Variant Classification (06012015). Collection method: clinical testing. Allele origin: germline. Affected: yes.
Comment: The c.274delT deletion in the TPP1 gene has been reported previously, using alternative nomenclature ofdelT2979, in an individual with neuronal ceroid lipfuscinosis who harbored a second TPP1 variant on theother allele and whose enzyme studies showed a loss of TPP1 enzyme activity (Sleath et al., 2009). Thedeletion causes a frameshift starting with codon Serine 92, changes this amino acid to a Proline residue andcreates a premature Stop codon at position 3 of the new reading frame, denoted p.Ser92ProfsX3. Thisdeletion is predicted to cause loss of normal protein function either through protein truncation or nonsense-mediated mRNA decay. Therefore, based on currently available information, c.274delT is interpreted to bea pathogenic variant.

Literature cited by the submitters: PubMed 10330339 (cited by Labcorp Genetics (formerly Invitae), Labcorp); PubMed 19383612 (cited by Labcorp Genetics (formerly Invitae), Labcorp).

NM_000391.4(TPP1):c.274del (p.Ser92fs)

Gene: TPP1 (tripeptidyl peptidase 1; minus strand). Cytogenetic location: 11p15.4.
Variant type: Deletion.
Coding change: c.274del on transcript NM_000391.4 (MANE Select); coding-DNA position 274, one base deleted (T; older notation c.274delT).
Protein change: p.Ser92fs; shifts the reading frame from serine 92.
Molecular consequence: frameshift variant.
Genome position (GRCh38, 1-based): chr11:6,617,732, A deleted on the plus strand (T on the coding strand, the reverse complement: TPP1 is on the minus strand). VCF-style (leftmost placement, unchanged base first): chr11-6617731-GA-G. GRCh37 (hg19) VCF-style: chr11-6638962-GA-G.
Other names: short protein forms S92fs.
Identifiers: ClinVar variation 419346 (VCV000419346.5), dbSNP rs1064793806, ClinGen allele CA16619376.